The following continues an entry in ClinVar:

NM_000179.3(MSH6):c.2419G>A (p.Glu807Lys)

Gene: MSH6. ClinVar aggregate classification (germline): Conflicting classifications of pathogenicity. Uncertain significance (12); Benign (1); Likely benign (2).

Submissions 11 to 17 of 17:

Color Diagnostics, LLC DBA Color Health
Classification: Uncertain significance for Hereditary cancer-predisposing syndrome. Last evaluated: 2023-12-13. Review status: criteria provided, single submitter. Criteria: ACMG Guidelines, 2015. Collection method: clinical testing. Allele origin: germline.
Comment: This missense variant replaces glutamic acid with lysine at codon 807 of the MSH6 protein. Computational prediction tool is inconclusive regarding the impact of this variant on protein structure and function (internally defined REVEL score threshold 0.5 < inconclusive < 0.7, PMID: 27666373). To our knowledge, functional studies have not been performed for this variant. This variant has been reported in an individual affected with colorectal cancer (PMID: 28944238), and in an individual affected with breast cancer who also carried a BRCA1 truncation variant (PMID: 28528518, 31658756). This variant has been identified in 3/281820 chromosomes in the general population by the Genome Aggregation Database (gnomAD). The available evidence is insufficient to determine the role of this variant in disease conclusively. Therefore, this variant is classified as a Variant of Uncertain Significance.

Department of Pathology and Laboratory Medicine, Sinai Health System
Classification: Uncertain significance for Lynch syndrome. Last evaluated: 2023-03-31. Review status: criteria provided, single submitter. Criteria: ACMG Guidelines, 2015. Collection method: clinical testing. Allele origin: germline. Affected: yes.

GeneDx
Classification: Uncertain significance. Last evaluated: 2022-07-14. Review status: criteria provided, single submitter. Criteria: GeneDx Variant Classification Process June 2021. Collection method: clinical testing. Allele origin: germline. Affected: yes.
Comment: Not observed at significant frequency in large population cohorts (gnomAD); In silico analysis supports that this missense variant does not alter protein structure/function; Observed in an individual with early-onset colorectal cancer, an individual with glioblastoma multiforme, and an individual with breast cancer who also carried a pathogenic BRCA1 variant (Lu et al., 2015; DeRycke et al., 2017; Cock-Rada et al., 2018); This variant is associated with the following publications: (PMID: 32980694, 28528518, 26689913, 28944238, 31658756, 17531815, 21120944, 31104363)

Fulgent Genetics
Classification: Uncertain significance for Mismatch repair cancer syndrome 1; Endometrial carcinoma; Lynch syndrome 5. Last evaluated: 2018-10-31. Review status: criteria provided, single submitter. Criteria: ACMG Guidelines, 2015. Collection method: clinical testing. Allele origin: unknown.

Mendelics
Classification: Uncertain significance for Lynch syndrome. Last evaluated: 2018-07-02. Review status: criteria provided, single submitter. Criteria: Mendelics Assertion Criteria 2017. Collection method: clinical testing. Allele origin: unknown.

Constitutional Genetics Lab, Leon Berard Cancer Center
Classification: Uncertain significance for Lynch-like syndrome. Last evaluated: 2019-07-01. Review status: no assertion criteria provided. Collection method: clinical testing. Allele origin: somatic. Affected: yes. Not counted in ClinVar's aggregate classification.

Counsyl
Classification: Uncertain significance for Lynch syndrome 5. Last evaluated: 2015-12-16. Review status: no assertion criteria provided. Collection method: clinical testing. Allele origin: unknown. Not counted in ClinVar's aggregate classification.

Literature cited by the submitters: PubMed 27363726 (cited by Myriad Genetics, Inc.); PubMed 28528518 (cited by 5 submitters); PubMed 28944238 (cited by 4 submitters); PubMed 31658756 (cited by 4 submitters); PubMed 36243179 (cited by Quest Diagnostics Nichols Institute San Juan Capistrano); PubMed 33471991 (cited by Quest Diagnostics Nichols Institute San Juan Capistrano); PubMed 31104363 (cited by Quest Diagnostics Nichols Institute San Juan Capistrano); PubMed 26689913 (cited by Quest Diagnostics Nichols Institute San Juan Capistrano).